The following is an entry in ClinVar:

ClinVar aggregate classification (germline): Benign. Review status: criteria provided, multiple submitters, no conflicts (2 of 4 stars). 3 submissions from 3 submitters: Benign (3). Last evaluated 2024-12-23.

Allele frequency attached by ClinVar (database versions not stated): 1000 Genomes Project 0.00539; 1000 Genomes Project 30x 0.00687; gnomAD exomes 0.00154; gnomAD 0.00588 and 0.00637; ESP Exome Variant Server 0.00707; ExAC 0.00180; TOPMed 0.00677.
gnomAD v4.1: 1,797 of 1,613,954 alleles (0.11%); highest among the groups gnomAD compares: African/African-American, 2.1%; 21 homozygotes.

Submissions (3):

Mayo Clinic Laboratories, Mayo Clinic
Classification: Benign. Last evaluated: 2024-12-23. Review status: criteria provided, single submitter. Criteria: ACMG Guidelines, 2015. Collection method: clinical testing. Allele origin: germline. Observed: 3 variant alleles.
Comment: BS1, BS2

Labcorp Genetics (formerly Invitae), Labcorp
Classification: Benign. Last evaluated: 2019-12-31. Review status: criteria provided, single submitter. Criteria: Invitae Variant Classification Sherloc (09022015). Collection method: clinical testing. Allele origin: germline.

Breakthrough Genomics
Classification: Benign. Review status: criteria provided, single submitter. Criteria: ACMG Guidelines, 2015. Collection method: not provided. Allele origin: germline. Inheritance: Unknown mechanism. Affected: yes.

NM_000930.5(PLAT):c.1681C>T (p.Arg561Ter)

Gene: PLAT (plasminogen activator, tissue type; minus strand). Cytogenetic location: 8p11.21.
Variant type: single nucleotide variant.
Coding change: c.1681C>T on transcript NM_000930.5 (MANE Select); coding-DNA position 1681, C replaced by T.
Protein change: p.Arg561Ter; replaces arginine 561 with a stop codon.
Molecular consequence: nonsense.
Genome position (GRCh38, 1-based): chr8:42,176,001, G>A on the plus strand (C>T on the coding strand, the complement: PLAT is on the minus strand). VCF-style: chr8-42176001-G-A. GRCh37 (hg19) VCF-style: chr8-42033519-G-A.
Other names: p.Arg561*; c.1414C>T, p.Arg472Ter (NM_001319189.2); c.1543C>T, p.Arg515Ter (NM_033011.4); short protein forms R472*, R515*, R561*.
Identifiers: ClinVar variation 716389 (VCV000716389.6), dbSNP rs1804182, ClinGen allele CA4730904.